The following is an entry in ClinVar:

NM_203447.4(DOCK8):c.349C>T (p.His117Tyr)

Gene: DOCK8 (dedicator of cytokinesis 8; plus strand). Cytogenetic location: 9p24.3.
Variant type: single nucleotide variant.
Coding change: c.349C>T on transcript NM_203447.4 (MANE Select); coding-DNA position 349, C replaced by T.
Protein change: p.His117Tyr; replaces histidine 117 with tyrosine.
Molecular consequence: missense variant.
Genome position (GRCh38, 1-based): chr9:289,526, C>T. VCF-style: chr9-289526-C-T. GRCh37 (hg19) VCF-style: chr9-289526-C-T.
Other names: c.145C>T, p.His49Tyr (NM_001190458.2, NM_001193536.2); short protein forms H117Y, H49Y.
Identifiers: ClinVar variation 663752 (VCV000663752.7), dbSNP rs764963937, ClinGen allele CA4957195.

ClinVar aggregate classification (germline): Uncertain significance (1 of 4 stars; one submission).

Allele frequency attached by ClinVar (database versions not stated): gnomAD exomes 0.00002 and 0.00001; ExAC 0.00002; TOPMed 0.00001.
gnomAD v4.1: 30 of 1,613,656 alleles (0.0019%); highest among the groups gnomAD compares: Non-Finnish European, 0.002%; no homozygotes.

Submission:

Labcorp Genetics (formerly Invitae), Labcorp
Classification: Uncertain significance for Combined immunodeficiency due to DOCK8 deficiency. Last evaluated: 2024-10-29. Review status: criteria provided, single submitter. Criteria: Invitae Variant Classification Sherloc (09022015). Collection method: clinical testing. Allele origin: germline.
Comment: This sequence change replaces histidine, which is basic and polar, with tyrosine, which is neutral and polar, at codon 117 of the DOCK8 protein (p.His117Tyr). This variant is present in population databases (rs764963937, gnomAD 0.002%). This variant has not been reported in the literature in individuals affected with DOCK8-related conditions. ClinVar contains an entry for this variant (Variation ID: 663752). Invitae Evidence Modeling of protein sequence and biophysical properties (such as structural, functional, and spatial information, amino acid conservation, physicochemical variation, residue mobility, and thermodynamic stability) indicates that this missense variant is not expected to disrupt DOCK8 protein function with a negative predictive value of 80%. In summary, the available evidence is currently insufficient to determine the role of this variant in disease. Therefore, it has been classified as a Variant of Uncertain Significance.